The following is an entry in ClinVar:

NM_002473.6(MYH9):c.3838-3C>T

Gene: MYH9 (myosin heavy chain 9; minus strand). Cytogenetic location: 22q12.3.
Variant type: single nucleotide variant.
Coding change: c.3838-3C>T on transcript NM_002473.6 (MANE Select); 3 bases into the intron before coding-DNA position 3838, C replaced by T.
Molecular consequence: intron variant.
Genome position (GRCh38, 1-based): chr22:36,293,866, G>A on the plus strand (C>T on the coding strand, the complement: MYH9 is on the minus strand). VCF-style: chr22-36293866-G-A. GRCh37 (hg19) VCF-style: chr22-36689912-G-A.
Identifiers: ClinVar variation 4701949 (VCV004701949.1).

ClinVar aggregate classification (germline): Uncertain significance (1 of 4 stars; one submission).

gnomAD v4.1: 3 of 1,611,730 alleles (0.00019%); highest among the groups gnomAD compares: Non-Finnish European, 0.00025%; no homozygotes.

Submission:

Labcorp Genetics (formerly Invitae), Labcorp
Classification: Uncertain significance. Last evaluated: 2025-08-17. Review status: criteria provided, single submitter. Criteria: Invitae Variant Classification Sherloc (09022015). Collection method: clinical testing. Allele origin: germline.
Comment: This sequence change falls in intron 28 of the MYH9 gene. It does not directly change the encoded amino acid sequence of the MYH9 protein. It affects a nucleotide within the consensus splice site. This variant is not present in population databases (gnomAD no frequency). This variant has not been reported in the literature in individuals affected with MYH9-related conditions. Variants that disrupt the consensus splice site are a relatively common cause of aberrant splicing (PMID: 17576681, 9536098). Algorithms developed to predict the effect of sequence changes on RNA splicing suggest that this variant is not likely to affect RNA splicing. In summary, the available evidence is currently insufficient to determine the role of this variant in disease. Therefore, it has been classified as a Variant of Uncertain Significance.

Literature cited by the submitters: PubMed 17576681; PubMed 9536098.